The following is an entry in ClinVar:

NM_173689.7(CRB2):c.1548T>C (p.Asp516=)

Gene: CRB2 (crumbs cell polarity complex component 2; plus strand). Cytogenetic location: 9q33.3.
Variant type: single nucleotide variant.
Coding change: c.1548T>C on transcript NM_173689.7 (MANE Select); coding-DNA position 1548, T replaced by C.
Protein change: p.Asp516=; no amino-acid change (aspartic acid 516 retained).
Molecular consequence: synonymous variant. On other transcripts: non-coding transcript variant (1).
Genome position (GRCh38, 1-based): chr9:123,370,601, T>C. VCF-style: chr9-123370601-T-C. GRCh37 (hg19) VCF-style: chr9-126132880-T-C.
Other names: p.Asp516=.
Identifiers: ClinVar variation 4683428 (VCV004683428.1).
Genomic context (GRCh38, chr9:123,370,601, plus strand): 5'-ACTCTGGAGCTACAGCACCACTGTGCTTGTCCTGAGACTGCCGGACCTGGCCCTAAACGA[T>C]GGCCATTGGCACCAGGTGGAGGTTGTGCTCCATCTAGCGACCCTGGAGCTACGGCTCTGG-3'
Protein context (NP_775960.4, residues 506-526): VLRLPDLALN[Asp516=]GHWHQVEVVL

ClinVar aggregate classification (germline): Likely benign (1 of 4 stars; one submission).

Submission:

Mayo Clinic Laboratories, Mayo Clinic
Classification: Likely benign. Last evaluated: 2025-06-16. Review status: criteria provided, single submitter. Criteria: ACMG Guidelines, 2015. Collection method: clinical testing. Allele origin: germline. Observed: 1 variant allele.
Comment: BP4, BP7, PM2_supporting